The following is an entry in ClinVar:

ClinVar aggregate classification (germline): Likely pathogenic (1 of 4 stars; one submission).

Conditions:
Dilated cardiomyopathy 1G (CMD1G). Identifiers: Orphanet 154, MedGen C1858763, MONDO:0011400, OMIM 604145.
Autosomal recessive limb-girdle muscular dystrophy type 2J (LGMDR10). Also called: MUSCULAR DYSTROPHY, LIMB-GIRDLE, AUTOSOMAL RECESSIVE 10; Limb-girdle muscular dystrophy, type 2J. Identifiers: Orphanet 140922, MedGen C1837342, MONDO:0012127, OMIM 608807.

Submission:

Labcorp Genetics (formerly Invitae), Labcorp
Classification: Likely pathogenic for Dilated cardiomyopathy 1G; Autosomal recessive limb-girdle muscular dystrophy type 2J. Last evaluated: 2024-10-18. Review status: criteria provided, single submitter. Criteria: Invitae Variant Classification Sherloc (09022015). Collection method: clinical testing. Allele origin: germline.
Comment: This sequence change creates a premature translational stop signal (p.Ile938Phefs*12) in the TTN gene. While this is not anticipated to result in nonsense mediated decay, it is expected to create a truncated TTN protein. This variant is not present in population databases (gnomAD no frequency). This variant has not been reported in the literature in individuals affected with TTN-related conditions. This variant is located in the Z band of TTN (PMID: 25589632). Truncating variants in this region have been reported in individuals affected with autosomal recessive centronuclear myopathy (PMID: 33449170, internal data). Truncating variants in this region have also been identified in individuals affected with autosomal dominant dilated cardiomyopathy and/or cardio-related conditions (PMID: 27869827, 32964742, internal data). In summary, the currently available evidence indicates that the variant is pathogenic, but additional data are needed to prove that conclusively. Therefore, this variant has been classified as Likely Pathogenic.

Literature cited by the submitters: PubMed 25589632; PubMed 33449170; PubMed 27869827; PubMed 32964742.

NM_001267550.2(TTN):c.2812del (p.Ile938fs)

Gene: TTN (titin; minus strand). Cytogenetic location: 2q31.2.
Variant type: Deletion.
Coding change: c.2812del on transcript NM_001267550.2 (MANE Select); coding-DNA position 2812, one base deleted (A; older notation c.2812delA).
Protein change: p.Ile938fs; shifts the reading frame from isoleucine 938.
Molecular consequence: frameshift variant.
Genome position (GRCh38, 1-based): chr2:178,783,749, T deleted on the plus strand (A on the coding strand, the reverse complement: TTN is on the minus strand); the first of 3 consecutive T bases (chr2:178,783,749-178,783,751); deleting any one gives the same sequence. VCF-style (leftmost placement, unchanged base first): chr2-178783748-AT-A. GRCh37 (hg19) VCF-style: chr2-179648475-AT-A.
Other names: c.2812del, p.Ile938fs (NM_001256850.1, NM_133378.4, NM_133379.5); c.2674del, p.Ile892fs (NM_003319.4, NM_133432.3, NM_133437.4); short protein forms I892fs, I938fs.
Identifiers: ClinVar variation 2943320 (VCV002943320.3), dbSNP rs2533422981, ClinGen allele CA2740096370.
Genomic context (GRCh38, chr2:178,783,748, plus strand): 5'-TAGGGTCCAGCATTATCAACTTCTTTACTCACCGAGACCAAAGTTGGTGGAGTAACAGGA[AT>A]TTCAACAGGTGCTGGTACTCTTGCTGTTTCTGTTACCTAGATTTTTACAAATTATATTAC-3'